The following is an entry in ClinVar:

ClinVar aggregate classification (germline): Uncertain significance. Review status: criteria provided, multiple submitters, no conflicts (2 of 4 stars). 2 submissions from 2 submitters: Uncertain significance (2). Last evaluated 2025-12-22.

Conditions:
Inborn genetic diseases. Identifiers: MedGen C0950123, MeSH D030342.

Allele frequency attached by ClinVar (database versions not stated): gnomAD exomes below 0.00001.
gnomAD v4.1: 2 of 1,579,632 alleles (0.00013%); highest among the groups gnomAD compares: Non-Finnish European, 0.00017%; no homozygotes.

Submissions (2):

Ambry Genetics
Classification: Uncertain significance for Inborn genetic diseases. Last evaluated: 2025-12-22. Review status: criteria provided, single submitter. Criteria: Ambry Variant Classification Scheme 2023. Collection method: clinical testing. Allele origin: germline.

Labcorp Genetics (formerly Invitae), Labcorp
Classification: Uncertain significance. Last evaluated: 2022-05-04. Review status: criteria provided, single submitter. Criteria: Invitae Variant Classification Sherloc (09022015). Collection method: clinical testing. Allele origin: germline.
Comment: In summary, the available evidence is currently insufficient to determine the role of this variant in disease. Therefore, it has been classified as a Variant of Uncertain Significance. Algorithms developed to predict the effect of missense changes on protein structure and function (SIFT, PolyPhen-2, Align-GVGD) all suggest that this variant is likely to be tolerated. This variant has not been reported in the literature in individuals affected with GPR179-related conditions. This variant is not present in population databases (gnomAD no frequency). This sequence change replaces glycine, which is neutral and non-polar, with alanine, which is neutral and non-polar, at codon 503 of the GPR179 protein (p.Gly503Ala).

NM_001004334.4(GPR179):c.1508G>C (p.Gly503Ala)

Gene: GPR179 (G protein-coupled receptor 179; minus strand). Cytogenetic location: 17q12.
Variant type: single nucleotide variant.
Coding change: c.1508G>C on transcript NM_001004334.4 (MANE Select); coding-DNA position 1508, G replaced by C.
Protein change: p.Gly503Ala; replaces glycine 503 with alanine.
Molecular consequence: missense variant.
Genome position (GRCh38, 1-based): chr17:38,335,170, C>G on the plus strand (G>C on the coding strand, the complement: GPR179 is on the minus strand). VCF-style: chr17-38335170-C-G. GRCh37 (hg19) VCF-style: chr17-36491053-C-G.
Other names: c.1508G>C (NM_001004334.2); short protein forms G503A.
Identifiers: ClinVar variation 1930255 (VCV001930255.6), dbSNP rs1406673222, ClinGen allele CA398886719.